The following is an entry in ClinVar:

ClinVar aggregate classification (germline): Uncertain significance (1 of 4 stars; one submission).

Submission:

Ambry Genetics
Classification: Uncertain significance. Last evaluated: 2026-07-17. Review status: criteria provided, single submitter. Criteria: Ambry Variant Classification Scheme 2023. Collection method: clinical testing. Allele origin: germline.
Comment: The p.V741A variant (also known as c.2222T>C), located in coding exon 22 of the KIF1B gene, results from a T to C substitution at nucleotide position 2222. The valine at codon 741 is replaced by alanine, an amino acid with similar properties. This amino acid position is conserved. In addition, the in silico prediction for this alteration is inconclusive. Based on the available evidence, the clinical significance of this variant remains unclear.

NM_001365951.3(KIF1B):c.2360T>C (p.Val787Ala)

Gene: KIF1B (kinesin family member 1B; plus strand). Cytogenetic location: 1p36.22.
Variant type: single nucleotide variant.
Coding change: c.2360T>C on transcript NM_001365951.3 (MANE Select); coding-DNA position 2360, T replaced by C.
Protein change: p.Val787Ala; replaces valine 787 with alanine.
Molecular consequence: missense variant.
Genome position (GRCh38, 1-based): chr1:10,323,885, T>C. VCF-style: chr1-10323885-T-C. GRCh37 (hg19) VCF-style: chr1-10383943-T-C.
Other names: c.2360T>C, p.Val787Ala (NM_001365952.1); c.2222T>C, p.Val741Ala (NM_015074.3); short protein forms V741A, V787A.
Identifiers: ClinVar variation 5023201 (VCV005023201.1).